The following is an entry in ClinVar:

NM_005159.5(ACTC1):c.990+6G>C

Genes: GJD2-DT (GJD2 divergent transcript; plus strand), ACTC1 (actin alpha cardiac muscle 1; minus strand). Cytogenetic location: 15q14.
Variant type: single nucleotide variant.
Coding change: c.990+6G>C on transcript NM_005159.5 (MANE Select); 6 bases into the intron after coding-DNA position 990, G replaced by C.
Molecular consequence: intron variant.
Genome position (GRCh38, 1-based): chr15:34,791,108, C>G on the plus strand (G>C on the coding strand, the complement: ACTC1 is on the minus strand). VCF-style: chr15-34791108-C-G. GRCh37 (hg19) VCF-style: chr15-35083309-C-G.
Other names: c.990+6G>C (NM_005159.4).
Identifiers: ClinVar variation 2194074 (VCV002194074.6), dbSNP rs749154513, ClinGen allele CA043189.
Genomic context (GRCh38, chr15:34,791,108, plus strand): 5'-TGGAACGTAGTTCTGCTTAGAATACCAAGACTTGCCTCGGATCTCCCACTCACAAAAGTT[C>G]TTTACCTTAATCTTCATGGTGCTAGGAGCCAGAGCAGTGATTTCCTTCTGCATACGATCA-3'

ClinVar aggregate classification (germline): Uncertain significance. Review status: criteria provided, multiple submitters, no conflicts (2 of 4 stars). 3 submissions from 3 submitters: Uncertain significance (3). Last evaluated 2024-10-01.

Conditions:
Dilated cardiomyopathy 1R (CMD1R). Identifiers: Orphanet 154, Orphanet 54260, MedGen C3150681, MONDO:0013261, OMIM 613424.
Atrial septal defect 5 (ASD5). Identifiers: Orphanet 1478, MedGen C2748552, MONDO:0013011, OMIM 612794.
Hypertrophic cardiomyopathy 11. Also called: ACTC1-Related Familial Hypertrophic Cardiomyopathy. Identifiers: MedGen C2677506, MONDO:0012799, OMIM 612098.
Cardiomyopathy (CMYO). Also called: Cardiomyopathies. Identifiers: Orphanet 167848, MedGen C0878544, MONDO:0004994, HP:0001638. Inheritance: Various modes of inheritance.

Allele frequency attached by ClinVar (database versions not stated): gnomAD exomes 0.00002; ExAC 0.00004.
gnomAD v4.1: 22 of 1,588,650 alleles (0.0014%); highest among the groups gnomAD compares: South Asian, 0.025%; no homozygotes.

Submissions (3):

Color Diagnostics, LLC DBA Color Health
Classification: Uncertain significance for Cardiomyopathy. Last evaluated: 2024-10-01. Review status: criteria provided, single submitter. Criteria: ACMG Guidelines, 2015. Collection method: clinical testing. Allele origin: germline.
Comment: This variant causes a G to C nucleotide substitution at the +6 position of intron 6 of the ACTC1 gene. To our knowledge, functional studies have not been reported for this variant. This variant has not been reported in individuals affected with ACTC1-related disorders in the literature. This variant has been identified in 13/240988 chromosomes in the general population by the Genome Aggregation Database (gnomAD). The available evidence is insufficient to determine the role of this variant in disease conclusively. Therefore, this variant is classified as a Variant of Uncertain Significance.

Labcorp Genetics (formerly Invitae), Labcorp
Classification: Uncertain significance for Dilated cardiomyopathy 1R; Hypertrophic cardiomyopathy 11; Atrial septal defect 5. Last evaluated: 2024-04-25. Review status: criteria provided, single submitter. Criteria: Invitae Variant Classification Sherloc (09022015). Collection method: clinical testing. Allele origin: germline.
Comment: This sequence change falls in intron 6 of the ACTC1 gene. It does not directly change the encoded amino acid sequence of the ACTC1 protein. It affects a nucleotide within the consensus splice site. This variant is present in population databases (rs749154513, gnomAD 0.05%), and has an allele count higher than expected for a pathogenic variant. This variant has not been reported in the literature in individuals affected with ACTC1-related conditions. ClinVar contains an entry for this variant (Variation ID: 2194074). Variants that disrupt the consensus splice site are a relatively common cause of aberrant splicing (PMID: 17576681, 9536098). Algorithms developed to predict the effect of sequence changes on RNA splicing suggest that this variant is not likely to affect RNA splicing. In summary, the available evidence is currently insufficient to determine the role of this variant in disease. Therefore, it has been classified as a Variant of Uncertain Significance.

CHEO Genetics Diagnostic Laboratory, Children's Hospital of Eastern Ontario
Classification: Uncertain significance for Cardiomyopathy. Last evaluated: 2022-08-29. Review status: criteria provided, single submitter. Criteria: ACMG Guidelines, 2015. Collection method: clinical testing. Allele origin: germline.

Literature cited by the submitters: PubMed 17576681 (cited by Labcorp Genetics (formerly Invitae), Labcorp); PubMed 9536098 (cited by Labcorp Genetics (formerly Invitae), Labcorp).